The following is an entry in ClinVar:

ClinVar aggregate classification (germline): Likely pathogenic (1 of 4 stars; one submission).

Conditions:
Joubert syndrome 17 (JBTS17). Identifiers: Orphanet 475, MedGen C3553264, MONDO:0013824, OMIM 614615.
Orofaciodigital syndrome type 6 (OFD6). Also called: OROFACIODIGITAL SYNDROME VI; OFDS VI; POLYDACTYLY, CLEFT LIP/PALATE OR LINGUAL LUMP, AND PSYCHOMOTOR RETARDATION; VARADI SYNDROME; VARADI-PAPP SYNDROME; Oral-facial-digital syndrome type 6. Identifiers: Orphanet 2754, MedGen C2745997, MONDO:0010176, OMIM 277170.

Submission:

Juno Genomics, Hangzhou Juno Genomics, Inc
Classification: Likely pathogenic for Joubert syndrome 17; Orofaciodigital syndrome type 6. Review status: criteria provided, single submitter. Criteria: ACMG Guidelines, 2015. Collection method: clinical testing. Allele origin: germline.
Comment: Absent from controls (or at extremely low frequency if recessive) in Genome Aggregation Database.;Null variant in a gene where loss of function (LOF) is a known mechanism of disease.

NM_001384732.1(CPLANE1):c.4459del (p.Ser1487fs)

Genes: CPLANE1 (ciliogenesis and planar polarity effector complex subunit 1; minus strand), LOC129389274 (MPRA-validated peak5227 silencer; plus strand). Cytogenetic location: 5p13.2.
Variant type: Deletion.
Coding change: c.4459del on transcript NM_001384732.1 (MANE Select); coding-DNA position 4459, one base deleted (A; older notation c.4459delA).
Protein change: p.Ser1487fs; shifts the reading frame from serine 1487.
Molecular consequence: frameshift variant.
Genome position (GRCh38, 1-based): chr5:37,184,810, T deleted on the plus strand (A on the coding strand, the reverse complement: CPLANE1 is on the minus strand); the first of 6 consecutive T bases (chr5:37,184,810-37,184,815); deleting any one gives the same sequence. VCF-style (leftmost placement, unchanged base first): chr5-37184809-CT-C. GRCh37 (hg19) VCF-style: chr5-37184911-CT-C.
Other names: c.4459del, p.Ser1487fs (NM_023073.4); short protein forms S1487fs.
Identifiers: ClinVar variation 5019084 (VCV005019084.2).
Genomic context (GRCh38, chr5:37,184,809, plus strand): 5'-AGGAAGTGAATGCCAGTGATTAAAAGATCTCAATTGTACCTTTGATAGATATTTATCCTA[CT>C]TTTTTCTTCAACCGACAAAGCTTCAGAGAACGTATCTGCATCACTGTGAACCACAGAATC-3'